The following is an entry in ClinVar:

NM_000617.3(SLC11A2):c.255G>T (p.Leu85=)

Gene: SLC11A2 (solute carrier family 11 member 2; minus strand). Cytogenetic location: 12q13.12.
Variant type: single nucleotide variant.
Coding change: c.255G>T on transcript NM_000617.3 (MANE Select); coding-DNA position 255, G replaced by T.
Protein change: p.Leu85=; no amino-acid change (leucine 85 retained).
Molecular consequence: synonymous variant. On other transcripts: non-coding transcript variant (10).
Genome position (GRCh38, 1-based): chr12:51,005,365, C>A on the plus strand (G>T on the coding strand, the complement: SLC11A2 is on the minus strand). VCF-style: chr12-51005365-C-A. GRCh37 (hg19) VCF-style: chr12-51399148-C-A.
Other names: NC_000012.11:g.51399148C>A; c.342G>T, p.Leu114= (NM_001174125.2, NM_001379446.1, NM_001379455.1); c.255G>T, p.Leu85= (NM_001174126.2, NM_001174127.2, NM_001174128.2 and 5 more transcripts); c.243G>T, p.Leu81= (NM_001174130.2, NM_001379448.1); c.144G>T, p.Leu48= (NM_001414747.1, NM_001414748.1); c.18G>T, p.Leu6= (NM_001414749.1, NM_001414750.1).
Identifiers: ClinVar variation 883639 (VCV000883639.7), dbSNP rs17216072, ClinGen allele CA6566820.

ClinVar aggregate classification (germline): Benign/Likely benign. Review status: criteria provided, multiple submitters, no conflicts (2 of 4 stars). 3 submissions from 3 submitters: Benign (2); Likely benign (1). Last evaluated 2026-01-22.

Conditions:
Microcytic anemia with liver iron overload. Also called: Anemia, hypochromic microcytic, with iron overload 1. Identifiers: Orphanet 83642, MedGen C3806153, MONDO:0008787, OMIM 206100.

Allele frequency attached by ClinVar (database versions not stated): gnomAD 0.00041 and 0.00074; gnomAD exomes 0.00066 and 0.00159; TOPMed 0.00085; ExAC 0.00157; 1000 Genomes Project 30x 0.00515; 1000 Genomes Project 0.00559.
gnomAD v4.1: 1,075 of 1,613,944 alleles (0.067%); highest among the groups gnomAD compares: East Asian, 1.9%; 11 homozygotes.

Submissions (6):

Labcorp Genetics (formerly Invitae), Labcorp
Classification: Benign. Last evaluated: 2026-01-22. Review status: criteria provided, single submitter. Criteria: Invitae Variant Classification Sherloc (09022015). Collection method: clinical testing. Allele origin: germline.

Blueprint Genetics
Classification: Likely benign. Last evaluated: 2024-10-11. Review status: criteria provided, single submitter. Criteria: ACMG Guidelines, 2015. Collection method: clinical testing. Allele origin: germline.

Illumina Laboratory Services, Illumina
Classification: Benign for Microcytic anemia with liver iron overload. Last evaluated: 2018-01-12. Review status: criteria provided, single submitter. Criteria: ICSL Variant Classification Criteria 13 December 2019. Collection method: clinical testing. Allele origin: germline.
Comment: This variant was observed in the ICSL laboratory as part of a predisposition screen in an ostensibly healthy population. It had not been previously curated by ICSL or reported in the Human Gene Mutation Database (HGMD: prior to June 1st, 2018), and was therefore a candidate for classification through an automated scoring system. Utilizing variant allele frequency, disease prevalence and penetrance estimates, and inheritance mode, an automated score was calculated to assess if this variant is too frequent to cause the disease. Based on the score and internal cut-off values, a variant classified as benign is not then subjected to further curation. The score for this variant resulted in a classification of benign for this disease.

Dr. Peter K. Rogan Lab, Western University
No classification provided (evidence only). Condition: Ovarian serous cystadenocarcinoma. Review status: no classification provided. Collection method: in vitro. Allele origin: not applicable. Functional consequence: retained intron. Not counted in ClinVar's aggregate classification.

Dr. Peter K. Rogan Lab, Western University
No classification provided (evidence only). Condition: Adrenocortical carcinoma, hereditary. Review status: no classification provided. Collection method: in vitro. Allele origin: not applicable. Functional consequence: retained intron. Not counted in ClinVar's aggregate classification.

Dr. Peter K. Rogan Lab, Western University
No classification provided (evidence only). Condition: Malignant tumor of esophagus. Review status: no classification provided. Collection method: in vitro. Allele origin: not applicable. Functional consequence: retained intron. Not counted in ClinVar's aggregate classification.